The following is an entry in ClinVar:

ClinVar aggregate classification (germline): Likely pathogenic (1 of 4 stars; one submission).

Submission:

Labcorp Genetics (formerly Invitae), Labcorp
Classification: Likely pathogenic. Last evaluated: 2025-01-13. Review status: criteria provided, single submitter. Criteria: Invitae Variant Classification Sherloc (09022015). Collection method: clinical testing. Allele origin: germline.
Comment: This sequence change falls in intron 38 of the MYO7A gene. It does not directly change the encoded amino acid sequence of the MYO7A protein. This variant is not present in population databases (gnomAD no frequency). This variant has been observed in individual(s) with clinical features of MYO7A-related conditions (PMID: 27460420; internal data). In at least one individual the data is consistent with being in trans (on the opposite chromosome) from a pathogenic variant. It has also been observed to segregate with disease in related individuals. Algorithms developed to predict the effect of sequence changes on RNA splicing suggest that this variant is not likely to affect RNA splicing. In summary, the currently available evidence indicates that the variant is pathogenic, but additional data are needed to prove that conclusively. Therefore, this variant has been classified as Likely Pathogenic.

Literature cited by the submitters: PubMed 27460420.

NM_000260.4(MYO7A):c.5327-14T>G

Gene: MYO7A (myosin VIIA; plus strand). Cytogenetic location: 11q13.5.
Variant type: single nucleotide variant.
Coding change: c.5327-14T>G on transcript NM_000260.4 (MANE Select); 14 bases into the intron before coding-DNA position 5327, T replaced by G.
Molecular consequence: intron variant.
Genome position (GRCh38, 1-based): chr11:77,204,062, T>G. VCF-style: chr11-77204062-T-G. GRCh37 (hg19) VCF-style: chr11-76915107-T-G.
Other names: c.5180-14T>G (NM_001369365.1); c.5213-14T>G (NM_001127180.2).
Identifiers: ClinVar variation 3721076 (VCV003721076.2).